The following is an entry in ClinVar:

NM_002226.5(JAG2):c.2514C>T (p.Tyr838=)

Gene: JAG2 (jagged canonical Notch ligand 2; minus strand). Cytogenetic location: 14q32.33.
Variant type: single nucleotide variant.
Coding change: c.2514C>T on transcript NM_002226.5 (MANE Select); coding-DNA position 2514, C replaced by T.
Protein change: p.Tyr838=; no amino-acid change (tyrosine 838 retained).
Molecular consequence: synonymous variant.
Genome position (GRCh38, 1-based): chr14:105,146,690, G>A on the plus strand (C>T on the coding strand, the complement: JAG2 is on the minus strand). VCF-style: chr14-105146690-G-A. GRCh37 (hg19) VCF-style: chr14-105613027-G-A.
Other names: p.Tyr838=; c.2400C>T, p.Tyr800= (NM_145159.3).
Identifiers: ClinVar variation 3907533 (VCV003907533.2).

ClinVar aggregate classification (germline): Likely benign. Review status: criteria provided, multiple submitters, no conflicts (2 of 4 stars). 2 submissions from 2 submitters: Likely benign (2). Last evaluated 2025-06-26.

gnomAD v4.1: 82 of 1,612,670 alleles (0.0051%); highest among the groups gnomAD compares: Non-Finnish European, 0.0056%; no homozygotes.

Submissions (2):

Women's Health and Genetics/Laboratory Corporation of America, LabCorp
Classification: Likely benign. Last evaluated: 2025-06-26. Review status: criteria provided, single submitter. Criteria: LabCorp Variant Classification Summary - May 2015. Collection method: clinical testing. Allele origin: germline.

Mayo Clinic Laboratories, Mayo Clinic
Classification: Likely benign. Last evaluated: 2025-01-20. Review status: criteria provided, single submitter. Criteria: ACMG Guidelines, 2015. Collection method: clinical testing. Allele origin: germline. Observed: 1 variant allele.
Comment: BP4, BP7